The following is an entry in ClinVar:

NM_000936.4(PNLIP):c.1157A>G (p.Tyr386Cys)

Gene: PNLIP (pancreatic lipase; plus strand). Cytogenetic location: 10q25.3.
Variant type: single nucleotide variant.
Coding change: c.1157A>G on transcript NM_000936.4 (MANE Select); coding-DNA position 1157, A replaced by G.
Protein change: p.Tyr386Cys; replaces tyrosine 386 with cysteine.
Molecular consequence: missense variant.
Genome position (GRCh38, 1-based): chr10:116,560,512, A>G. VCF-style: chr10-116560512-A-G. GRCh37 (hg19) VCF-style: chr10-118320024-A-G.
Other names: short protein forms Y386C.
Identifiers: ClinVar variation 2835779 (VCV002835779.3), dbSNP rs1554860775, ClinGen allele CA5706701.

ClinVar aggregate classification (germline): Uncertain significance (1 of 4 stars; one submission).

Allele frequency attached by ClinVar (database versions not stated): ExAC 0.00001.

Submission:

Labcorp Genetics (formerly Invitae), Labcorp
Classification: Uncertain significance. Last evaluated: 2023-02-09. Review status: criteria provided, single submitter. Criteria: Invitae Variant Classification Sherloc (09022015). Collection method: clinical testing. Allele origin: germline.
Comment: This sequence change replaces tyrosine, which is neutral and polar, with cysteine, which is neutral and slightly polar, at codon 386 of the PNLIP protein (p.Tyr386Cys). The frequency data for this variant in the population databases is considered unreliable, as metrics indicate poor data quality at this position in the gnomAD database. This variant has not been reported in the literature in individuals affected with PNLIP-related conditions. Advanced modeling of protein sequence and biophysical properties (such as structural, functional, and spatial information, amino acid conservation, physicochemical variation, residue mobility, and thermodynamic stability) performed at Invitae indicates that this missense variant is expected to disrupt PNLIP protein function. In summary, the available evidence is currently insufficient to determine the role of this variant in disease. Therefore, it has been classified as a Variant of Uncertain Significance.